The following is an entry in ClinVar:

ClinVar aggregate classification (germline): Pathogenic (1 of 4 stars; one submission).

Allele frequency attached by ClinVar (database versions not stated): gnomAD 0.00001.
gnomAD v4.1: 2 of 1,540,306 alleles (0.00013%); highest among the groups gnomAD compares: African/African-American, 0.0014%; no homozygotes.

Submission:

Labcorp Genetics (formerly Invitae), Labcorp
Classification: Pathogenic. Last evaluated: 2023-08-14. Review status: criteria provided, single submitter. Criteria: Invitae Variant Classification Sherloc (09022015). Collection method: clinical testing. Allele origin: germline.
Comment: This sequence change affects a donor splice site in intron 8 of the TYMP gene. It is expected to disrupt RNA splicing. Variants that disrupt the donor or acceptor splice site typically lead to a loss of protein function (PMID: 16199547), and loss-of-function variants in TYMP are known to be pathogenic (PMID: 9924029, 15781193). For these reasons, this variant has been classified as Pathogenic. Algorithms developed to predict the effect of sequence changes on RNA splicing suggest that this variant may disrupt the consensus splice site. ClinVar contains an entry for this variant (Variation ID: 1920827). Disruption of this splice site has been observed in individual(s) with mitochondrial neurogastrointestinal encephalomyopathy (PMID: 22618301). It has also been observed to segregate with disease in related individuals. This variant is not present in population databases (gnomAD no frequency).

Literature cited by the submitters: PubMed 16199547; PubMed 9924029; PubMed 15781193; PubMed 22618301.

NM_001953.5(TYMP):c.1159+2T>C

Genes: SCO2 (synthesis of cytochrome C oxidase 2; minus strand), TYMP (thymidine phosphorylase; minus strand), LOC130067862 (ATAC-STARR-seq lymphoblastoid silent region 13986; plus strand). Cytogenetic location: 22q13.33.
Variant type: single nucleotide variant.
Coding change: c.1159+2T>C on transcript NM_001953.5 (MANE Select); the canonical splice donor site of the intron after coding-DNA position 1159, T replaced by C.
Molecular consequence: splice donor variant.
Genome position (GRCh38, 1-based): chr22:50,526,244, A>G on the plus strand (T>C on the coding strand, the complement: TYMP is on the minus strand). VCF-style: chr22-50526244-A-G. GRCh37 (hg19) VCF-style: chr22-50964673-A-G.
Other names: c.-14+2T>C (NM_001169109.2); c.1159+2T>C (NM_001257989.1, NM_001257988.1, NM_001113755.3 and 1 more transcripts).
Identifiers: ClinVar variation 1920827 (VCV001920827.4), dbSNP rs770277446, ClinGen allele CA325560586.